The following is an entry in ClinVar:

ClinVar aggregate classification (germline): Uncertain significance (1 of 4 stars; one submission).

Conditions:
Charcot-Marie-Tooth disease type 2E (CMT2E). Also called: CHARCOT-MARIE-TOOTH DISEASE, AXONAL, TYPE 2E; CHARCOT-MARIE-TOOTH NEUROPATHY, TYPE 2E. Identifiers: Orphanet 99939, MedGen C1843225, MONDO:0011894, OMIM 607684.

gnomAD v4.1: 1 of 1,604,002 alleles (0.000062%); highest among the groups gnomAD compares: East Asian, 0.0022%; no homozygotes.

Submission:

Labcorp Genetics (formerly Invitae), Labcorp
Classification: Uncertain significance for Charcot-Marie-Tooth disease type 2E. Last evaluated: 2025-01-27. Review status: criteria provided, single submitter. Criteria: Invitae Variant Classification Sherloc (09022015). Collection method: clinical testing. Allele origin: germline.
Comment: This sequence change replaces arginine, which is basic and polar, with cysteine, which is neutral and slightly polar, at codon 147 of the NEFL protein (p.Arg147Cys). This variant is not present in population databases (gnomAD no frequency). This variant has not been reported in the literature in individuals affected with NEFL-related conditions. Invitae Evidence Modeling of protein sequence and biophysical properties (such as structural, functional, and spatial information, amino acid conservation, physicochemical variation, residue mobility, and thermodynamic stability) indicates that this missense variant is expected to disrupt NEFL protein function with a positive predictive value of 80%. In summary, the available evidence is currently insufficient to determine the role of this variant in disease. Therefore, it has been classified as a Variant of Uncertain Significance.

NM_006158.5(NEFL):c.439C>T (p.Arg147Cys)

Gene: NEFL (neurofilament light chain; minus strand). Cytogenetic location: 8p21.2.
Variant type: single nucleotide variant.
Coding change: c.439C>T on transcript NM_006158.5 (MANE Select); coding-DNA position 439, C replaced by T.
Protein change: p.Arg147Cys; replaces arginine 147 with cysteine.
Molecular consequence: missense variant.
Genome position (GRCh38, 1-based): chr8:24,956,077, G>A on the plus strand (C>T on the coding strand, the complement: NEFL is on the minus strand). VCF-style: chr8-24956077-G-A. GRCh37 (hg19) VCF-style: chr8-24813591-G-A.
Other names: short protein forms R147C.
Identifiers: ClinVar variation 3647552 (VCV003647552.2).
Genomic context (GRCh38, chr8:24,956,077, plus strand): 5'-GCCCTTCGCGCTCGCCCTGGAGCGCCTGCTTCTCGTTGGTGGCATCTTCCGCCGCCAGGC[G>A]CAGGTCGCGGATCTCCTGCTCGTACAGCGCCCGGAAGCGGGATGGCTCGGAGTGCTTCTG-3'
Protein context (NP_006149.2, residues 137-157): ALYEQEIRDL[Arg147Cys]LAAEDATNEK